The following is an entry in ClinVar:

NM_001651.4(AQP5):c.533A>G (p.Tyr178Cys)

Gene: AQP5 (aquaporin 5; plus strand). Cytogenetic location: 12q13.12.
Variant type: single nucleotide variant.
Coding change: c.533A>G on transcript NM_001651.4 (MANE Select); coding-DNA position 533, A replaced by G.
Protein change: p.Tyr178Cys; replaces tyrosine 178 with cysteine.
Molecular consequence: missense variant.
Genome position (GRCh38, 1-based): chr12:49,964,096, A>G. VCF-style: chr12-49964096-A-G. GRCh37 (hg19) VCF-style: chr12-50357879-A-G.
Other names: short protein forms Y178C.
Identifiers: ClinVar variation 1511566 (VCV001511566.8), dbSNP rs2137160656, ClinGen allele CA384770079.
Genomic context (GRCh38, chr12:49,964,096, plus strand): 5'-TCTGTGGGAGTGGACCAGGATGTTGCCTTTCTCTCCACCGCCCTGTCTCTATCCAGATCT[A>G]CTTCACTGGCTGCTCCATGAACCCAGCCCGCTCTTTTGGCCCTGCGGTGGTCATGAATCG-3'
Protein context (NP_001642.1, residues 168-188): SVTLGHLVGI[Tyr178Cys]FTGCSMNPAR

ClinVar aggregate classification (germline): Uncertain significance (1 of 4 stars; one submission).

Allele frequency attached by ClinVar (database versions not stated): gnomAD exomes below 0.00001.

Submission:

Labcorp Genetics (formerly Invitae), Labcorp
Classification: Uncertain significance. Last evaluated: 2021-07-16. Review status: criteria provided, single submitter. Criteria: Invitae Variant Classification Sherloc (09022015). Collection method: clinical testing. Allele origin: germline.
Comment: In summary, the available evidence is currently insufficient to determine the role of this variant in disease. Therefore, it has been classified as a Variant of Uncertain Significance. This sequence change replaces tyrosine with cysteine at codon 178 of the AQP5 protein (p.Tyr178Cys). The tyrosine residue is highly conserved and there is a large physicochemical difference between tyrosine and cysteine. This variant is not present in population databases (ExAC no frequency). This variant has been observed in individuals with palmoplantar keratoderma (PMID: 30221495; Invitae). Algorithms developed to predict the effect of missense changes on protein structure and function are either unavailable or do not agree on the potential impact of this missense change (SIFT: "Tolerated"; PolyPhen-2: "Probably Damaging"; Align-GVGD: "Class C15").

Literature cited by the submitters: PubMed 30221495.